The following is an entry in ClinVar:

NM_024529.5(CDC73):c.1048C>A (p.Pro350Thr)

Gene: CDC73 (cell division cycle 73; plus strand). Cytogenetic location: 1q31.2.
Variant type: single nucleotide variant.
Coding change: c.1048C>A on transcript NM_024529.5 (MANE Select); coding-DNA position 1048, C replaced by A.
Protein change: p.Pro350Thr; replaces proline 350 with threonine.
Molecular consequence: missense variant.
Genome position (GRCh38, 1-based): chr1:193,212,082, C>A. VCF-style: chr1-193212082-C-A. GRCh37 (hg19) VCF-style: chr1-193181212-C-A.
Other names: short protein forms P350T.
Identifiers: ClinVar variation 3227850 (VCV003227850.1), dbSNP rs773264613, ClinGen allele CA344077451.

ClinVar aggregate classification (germline): Uncertain significance (1 of 4 stars; one submission).

Conditions:
Hereditary cancer-predisposing syndrome. Also called: Neoplastic Syndromes, Hereditary; Tumor predisposition; Hereditary neoplastic syndrome; Hereditary Cancer Syndrome. Identifiers: Orphanet 140162, MedGen C0027672, MeSH D009386, MONDO:0015356.

Submission:

Ambry Genetics
Classification: Uncertain significance for Hereditary cancer-predisposing syndrome. Last evaluated: 2023-12-07. Review status: criteria provided, single submitter. Criteria: Ambry Variant Classification Scheme 2023. Collection method: clinical testing. Allele origin: germline.
Comment: The p.P350T variant (also known as c.1048C>A), located in coding exon 12 of the CDC73 gene, results from a C to A substitution at nucleotide position 1048. The proline at codon 350 is replaced by threonine, an amino acid with highly similar properties. This amino acid position is conserved. In addition, this alteration is predicted to be tolerated by in silico analysis. Since supporting evidence is limited at this time, the clinical significance of this alteration remains unclear.